The following is an entry in ClinVar:

NM_020937.4(FANCM):c.5861G>T (p.Arg1954Ile)

Gene: FANCM (FA complementation group M; plus strand). Cytogenetic location: 14q21.2.
Variant type: single nucleotide variant.
Coding change: c.5861G>T on transcript NM_020937.4 (MANE Select); coding-DNA position 5861, G replaced by T.
Protein change: p.Arg1954Ile; replaces arginine 1954 with isoleucine.
Molecular consequence: missense variant.
Genome position (GRCh38, 1-based): chr14:45,198,788, G>T. VCF-style: chr14-45198788-G-T. GRCh37 (hg19) VCF-style: chr14-45667991-G-T.
Other names: c.5783G>T, p.Arg1928Ile (NM_001308133.2); short protein forms R1928I, R1954I.
Identifiers: ClinVar variation 3848526 (VCV003848526.1).

ClinVar aggregate classification (germline): Uncertain significance (1 of 4 stars; one submission).

Conditions:
Inborn genetic diseases. Identifiers: MedGen C0950123, MeSH D030342.

Submission:

Ambry Genetics
Classification: Uncertain significance for Inborn genetic diseases. Last evaluated: 2024-12-20. Review status: criteria provided, single submitter. Criteria: Ambry Variant Classification Scheme 2023. Collection method: clinical testing. Allele origin: germline.
Comment: The p.R1954I variant (also known as c.5861G>T), located in coding exon 22 of the FANCM gene, results from a G to T substitution at nucleotide position 5861. The arginine at codon 1954 is replaced by isoleucine, an amino acid with similar properties. This amino acid position is conserved. In addition, the in silico prediction for this alteration is inconclusive. Based on the available evidence, the clinical significance of this variant remains unclear.